The following is an entry in ClinVar:

ClinVar aggregate classification (germline): Benign (1 of 4 stars; one submission).

Allele frequency attached by ClinVar (database versions not stated): TOPMed 0.00006; gnomAD 0.00046; gnomAD exomes 0.00072; ExAC 0.00187; 1000 Genomes Project 0.00280; 1000 Genomes Project 30x 0.00312.
gnomAD v4.1: 1,135 of 1,613,386 alleles (0.07%); highest among the groups gnomAD compares: South Asian, 1.2%; 13 homozygotes.

Submission:

CeGaT Center for Human Genetics Tuebingen
Classification: Benign. Last evaluated: 2023-05-01. Review status: criteria provided, single submitter. Criteria: CeGaT Center For Human Genetics Tuebingen Variant Classification Criteria Version 2. Collection method: clinical testing. Allele origin: germline. Affected: yes. Observed: 1 variant allele.
Comment: THSD4: BP4, BS1, BS2

NM_024817.3(THSD4):c.2769+3A>G

Gene: THSD4 (thrombospondin type 1 domain containing 4; plus strand). Cytogenetic location: 15q23.
Variant type: single nucleotide variant.
Coding change: c.2769+3A>G on transcript NM_024817.3 (MANE Select); 3 bases into the intron after coding-DNA position 2769, A replaced by G.
Molecular consequence: intron variant.
Genome position (GRCh38, 1-based): chr15:71,765,202, A>G. VCF-style: chr15-71765202-A-G. GRCh37 (hg19) VCF-style: chr15-72057541-A-G.
Other names: c.2769+3A>G (NM_001394532.1); c.1689+3A>G (NM_001286429.2).
Identifiers: ClinVar variation 2645505 (VCV002645505.24), dbSNP rs556003207, ClinGen allele CA7640027.